The following is an entry in ClinVar:

NM_004525.3(LRP2):c.12590G>C (p.Gly4197Ala)

Gene: LRP2 (LDL receptor related protein 2; minus strand). Cytogenetic location: 2q31.1.
Variant type: single nucleotide variant.
Coding change: c.12590G>C on transcript NM_004525.3 (MANE Select); coding-DNA position 12590, G replaced by C.
Protein change: p.Gly4197Ala; replaces glycine 4197 with alanine.
Molecular consequence: missense variant.
Genome position (GRCh38, 1-based): chr2:169,150,898, C>G on the plus strand (G>C on the coding strand, the complement: LRP2 is on the minus strand). VCF-style: chr2-169150898-C-G. GRCh37 (hg19) VCF-style: chr2-170007408-C-G.
Other names: short protein forms G4197A.
Identifiers: ClinVar variation 561055 (VCV000561055.7), dbSNP rs140499844, ClinGen allele CA59895445.
Genomic context (GRCh38, chr2:169,150,898, plus strand): 5'-GAATTTGATGAGAATCCAGGGAGAAATATCTAGATGTTGAAGACTTCTCCAAGTACTTAC[C>G]CTAGTTTGGGATTCACAGCAATAGCAGCTGGTTGGTCCAGGTCAGTGGAAATCAGCCACT-3'
Protein context (NP_004516.2, residues 4187-4207): PAAIAVNPKL[Gly4197Ala]LMFWTDWGKE

ClinVar aggregate classification (germline): Uncertain significance. Review status: criteria provided, multiple submitters, no conflicts (2 of 4 stars). 4 submissions from 4 submitters: Uncertain significance (4). Last evaluated 2026-01-07.

Conditions:
Donnai-Barrow syndrome. Also called: DBS/FOAR SYNDROME; FACIOOCULOACOUSTICORENAL SYNDROME. Identifiers: Orphanet 2143, MedGen C1857277, MONDO:0009104, OMIM 222448.

Allele frequency attached by ClinVar (database versions not stated): TOPMed 0.00004; gnomAD 0.00004 and 0.00003; gnomAD exomes 0.00001; ESP Exome Variant Server 0.00015.
gnomAD v4.1: 19 of 1,613,788 alleles (0.0012%); highest among the groups gnomAD compares: African/African-American, 0.011%; no homozygotes.

Submissions (4):

Dasa
Classification: Uncertain significance. Last evaluated: 2026-01-07. Review status: criteria provided, single submitter. Criteria: DASA Assertion Criteria. Collection method: clinical testing. Allele origin: germline.
Comment: NM_004525.3(LRP2):c.12590G>C (p.Gly4197Ala) is a missense variant that results in the substitution of glycine with alanine. This variant is rare in population databases. Computational prediction algorithms are consistent with a deleterious effect. The currently available literature and clinical evidence are not sufficient to establish a definitive association between this variant and the reported condition. Therefore, this variant is classified as a variant of uncertain significance.

Labcorp Genetics (formerly Invitae), Labcorp
Classification: Uncertain significance. Last evaluated: 2025-04-29. Review status: criteria provided, single submitter. Criteria: Invitae Variant Classification Sherloc (09022015). Collection method: clinical testing. Allele origin: germline.
Comment: This sequence change replaces glycine, which is neutral and non-polar, with alanine, which is neutral and non-polar, at codon 4197 of the LRP2 protein (p.Gly4197Ala). This variant also falls at the last nucleotide of exon 68, which is part of the consensus splice site for this exon. This variant is present in population databases (rs140499844, gnomAD 0.01%). This variant has not been reported in the literature in individuals affected with LRP2-related conditions. ClinVar contains an entry for this variant (Variation ID: 561055). An algorithm developed to predict the effect of missense changes on protein structure and function (PolyPhen-2) suggests that this variant is likely to be disruptive. Variants that disrupt the consensus splice site are a relatively common cause of aberrant splicing (PMID: 17576681, 9536098). In summary, the available evidence is currently insufficient to determine the role of this variant in disease. Therefore, it has been classified as a Variant of Uncertain Significance.

Fulgent Genetics
Classification: Uncertain significance for Donnai-Barrow syndrome. Last evaluated: 2021-07-13. Review status: criteria provided, single submitter. Criteria: ACMG Guidelines, 2015. Collection method: clinical testing. Allele origin: unknown.

Baylor Genetics
Classification: Uncertain significance for Donnai-Barrow syndrome. Last evaluated: 2017-09-01. Review status: criteria provided, single submitter. Criteria: ACMG Guidelines, 2015. Collection method: clinical testing. Allele origin: maternal. Inheritance: Autosomal recessive inheritance. Affected: yes.

Literature cited by the submitters: PubMed 17576681 (cited by Labcorp Genetics (formerly Invitae), Labcorp); PubMed 9536098 (cited by Labcorp Genetics (formerly Invitae), Labcorp); PubMed 25326635 (cited by Baylor Genetics).